The following is an entry in ClinVar:

NM_001371596.2(MFSD8):c.1236G>A (p.Pro412=)

Gene: MFSD8 (major facilitator superfamily domain containing 8; minus strand). Cytogenetic location: 4q28.2.
Variant type: single nucleotide variant.
Coding change: c.1236G>A on transcript NM_001371596.2 (MANE Select); coding-DNA position 1236, G replaced by A.
Protein change: p.Pro412=; no amino-acid change (proline 412 retained).
Molecular consequence: synonymous variant. On other transcripts: 3 prime UTR variant (1).
Genome position (GRCh38, 1-based): chr4:127,921,638, C>T on the plus strand (G>A on the coding strand, the complement: MFSD8 is on the minus strand). VCF-style: chr4-127921638-C-T. GRCh37 (hg19) VCF-style: chr4-128842793-C-T.
Other names: c.1035G>A, p.Pro345= (NM_001363520.3); c.921G>A, p.Pro307= (NM_001363521.3); c.1101G>A, p.Pro367= (NM_001371590.2); c.1236G>A, p.Pro412= (NM_001371591.2, NM_152778.4); c.1242G>A, p.Pro414= (NM_001371592.2); c.1122G>A, p.Pro374= (NM_001371593.2); c.1089G>A, p.Pro363= (NM_001371594.2); c.954G>A, p.Pro318= (NM_001371595.1); and 2 more.
Identifiers: ClinVar variation 2036654 (VCV002036654.1), dbSNP rs767048437, ClinGen allele CA3077262.

ClinVar aggregate classification (germline): Uncertain significance (1 of 4 stars; one submission).

Conditions:
Neuronal ceroid lipofuscinosis 7 (CLN7). Also called: MFSD8-Related Neuronal Ceroid-Lipofuscinosis. Identifiers: Orphanet 168491, Orphanet 228366, MedGen C1838571, MONDO:0012588, OMIM 610951.

Allele frequency attached by ClinVar (database versions not stated): ExAC 0.00001.
gnomAD v4.1: 6 of 1,614,140 alleles (0.00037%); highest among the groups gnomAD compares: Admixed American, 0.0067%; no homozygotes.

Submission:

Labcorp Genetics (formerly Invitae), Labcorp
Classification: Uncertain significance for Neuronal ceroid lipofuscinosis 7. Last evaluated: 2021-12-05. Review status: criteria provided, single submitter. Criteria: Invitae Variant Classification Sherloc (09022015). Collection method: clinical testing. Allele origin: germline.
Comment: This sequence change affects codon 412 of the MFSD8 mRNA. It is a 'silent' change, meaning that it does not change the encoded amino acid sequence of the MFSD8 protein. This variant is present in population databases (rs767048437, gnomAD 0.009%). This variant has not been reported in the literature in individuals affected with MFSD8-related conditions. Algorithms developed to predict the effect of sequence changes on RNA splicing suggest that this variant may create or strengthen a splice site. In summary, the available evidence is currently insufficient to determine the role of this variant in disease. Therefore, it has been classified as a Variant of Uncertain Significance.